The following is an entry in ClinVar:

ClinVar aggregate classification (germline): Uncertain significance. Review status: criteria provided, multiple submitters, no conflicts (2 of 4 stars). 3 submissions from 3 submitters: Uncertain significance (2). 1 of the submissions does not count toward it. Last evaluated 2025-12-01.

Conditions:
PLXNA1-related disorder. Also called: PLXNA1-related condition.

Allele frequency attached by ClinVar (database versions not stated): ExAC 0.00008; TOPMed 0.00012; gnomAD 0.00014; ESP Exome Variant Server 0.00015; gnomAD exomes 0.00031.
gnomAD v4.1: 462 of 1,613,322 alleles (0.029%); highest among the groups gnomAD compares: Non-Finnish European, 0.038%; no homozygotes.

Submissions (3):

CeGaT Center for Human Genetics Tuebingen
Classification: Uncertain significance. Last evaluated: 2025-12-01. Review status: criteria provided, single submitter. Criteria: CeGaT Center For Human Genetics Tuebingen Variant Classification Criteria Version 2. Collection method: clinical testing. Allele origin: germline. Affected: yes. Observed: 2 variant alleles.
Comment: PLXNA1: PM2:Supporting

Ambry Genetics
Classification: Uncertain significance. Last evaluated: 2024-08-28. Review status: criteria provided, single submitter. Criteria: Ambry Variant Classification Scheme 2023. Collection method: clinical testing. Allele origin: germline.

PreventionGenetics, part of Exact Sciences
Classification: Uncertain significance for PLXNA1-related condition. Last evaluated: 2024-05-31. Review status: no assertion criteria provided. Collection method: clinical testing. Allele origin: germline. Not counted in ClinVar's aggregate classification.
Comment: The PLXNA1 c.5495G>A variant is predicted to result in the amino acid substitution p.Ser1832Asn. To our knowledge, this variant has not been reported in the literature. This variant is reported in 0.023% of alleles in individuals of European (Non-Finnish) descent in gnomAD. At this time, the clinical significance of this variant is uncertain due to the absence of conclusive functional and genetic evidence.

NM_032242.4(PLXNA1):c.5495G>A (p.Ser1832Asn)

Gene: PLXNA1 (plexin A1; plus strand). Cytogenetic location: 3q21.3.
Variant type: single nucleotide variant.
Coding change: c.5495G>A on transcript NM_032242.4 (MANE Select); coding-DNA position 5495, G replaced by A.
Protein change: p.Ser1832Asn; replaces serine 1832 with asparagine.
Molecular consequence: missense variant.
Genome position (GRCh38, 1-based): chr3:127,032,736, G>A. VCF-style: chr3-127032736-G-A. GRCh37 (hg19) VCF-style: chr3-126751579-G-A.
Other names: short protein forms S1832N.
Identifiers: ClinVar variation 3031826 (VCV003031826.10), dbSNP rs201094581, ClinGen allele CA2594705.